The following is an entry in ClinVar:

NM_001458.5(FLNC):c.2191G>T (p.Val731Leu)

Gene: FLNC (filamin C; plus strand). Cytogenetic location: 7q32.1.
Variant type: single nucleotide variant.
Coding change: c.2191G>T on transcript NM_001458.5 (MANE Select); coding-DNA position 2191, G replaced by T.
Protein change: p.Val731Leu; replaces valine 731 with leucine.
Molecular consequence: missense variant.
Genome position (GRCh38, 1-based): chr7:128,842,300, G>T. VCF-style: chr7-128842300-G-T. GRCh37 (hg19) VCF-style: chr7-128482354-G-T.
Other names: c.2191G>T, p.Val731Leu (NM_001127487.2); short protein forms V731L.
Identifiers: ClinVar variation 4258283 (VCV004258283.1).

ClinVar aggregate classification (germline): Uncertain significance (1 of 4 stars; one submission).

Conditions:
Cardiovascular phenotype. Identifiers: MedGen CN230736.

Submission:

Ambry Genetics
Classification: Uncertain significance for Cardiovascular phenotype. Last evaluated: 2025-08-03. Review status: criteria provided, single submitter. Criteria: Ambry Variant Classification Scheme 2023. Collection method: clinical testing. Allele origin: germline.
Comment: The p.V731L variant (also known as c.2191G>T), located in coding exon 14 of the FLNC gene, results from a G to T substitution at nucleotide position 2191. The valine at codon 731 is replaced by leucine, an amino acid with highly similar properties. This amino acid position is well conserved in available vertebrate species. In addition, the in silico prediction for this alteration is inconclusive. Based on the available evidence, the clinical significance of this variant remains unclear.